The following is an entry in ClinVar:

ClinVar aggregate classification (germline): Uncertain significance. Review status: criteria provided, multiple submitters, no conflicts (2 of 4 stars). 2 submissions from 2 submitters: Uncertain significance (2). Last evaluated 2025-07-03.

Conditions:
Inborn genetic diseases. Identifiers: MedGen C0950123, MeSH D030342.

Submissions (2):

Ambry Genetics
Classification: Uncertain significance for Inborn genetic diseases. Last evaluated: 2025-07-03. Review status: criteria provided, single submitter. Criteria: Ambry Variant Classification Scheme 2023. Collection method: clinical testing. Allele origin: germline.

Labcorp Genetics (formerly Invitae), Labcorp
Classification: Uncertain significance. Last evaluated: 2022-03-13. Review status: criteria provided, single submitter. Criteria: Invitae Variant Classification Sherloc (09022015). Collection method: clinical testing. Allele origin: germline.
Comment: In summary, the available evidence is currently insufficient to determine the role of this variant in disease. Therefore, it has been classified as a Variant of Uncertain Significance. Algorithms developed to predict the effect of missense changes on protein structure and function (SIFT, PolyPhen-2, Align-GVGD) all suggest that this variant is likely to be tolerated. This variant has not been reported in the literature in individuals affected with EPRS-related conditions. This variant is not present in population databases (gnomAD no frequency). This sequence change replaces valine, which is neutral and non-polar, with leucine, which is neutral and non-polar, at codon 61 of the EPRS protein (p.Val61Leu).

NM_004446.3(EPRS1):c.181G>C (p.Val61Leu)

Gene: EPRS1 (glutamyl-prolyl-tRNA synthetase 1; minus strand). Cytogenetic location: 1q41.
Variant type: single nucleotide variant.
Coding change: c.181G>C on transcript NM_004446.3 (MANE Select); coding-DNA position 181, G replaced by C.
Protein change: p.Val61Leu; replaces valine 61 with leucine.
Molecular consequence: missense variant.
Genome position (GRCh38, 1-based): chr1:220,034,964, C>G on the plus strand (G>C on the coding strand, the complement: EPRS1 is on the minus strand). VCF-style: chr1-220034964-C-G. GRCh37 (hg19) VCF-style: chr1-220208306-C-G.
Other names: c.181G>C (NM_004446.2); short protein forms V61L.
Identifiers: ClinVar variation 1895949 (VCV001895949.6), dbSNP rs2528048471, ClinGen allele CA344640408.